The following is an entry in ClinVar:

ClinVar aggregate classification (germline): Conflicting classifications of pathogenicity. Review status: criteria provided, conflicting classifications (1 of 4 stars). 7 submissions from 7 submitters: Uncertain significance (3); Likely benign (4). Last evaluated 2026-02-02.

Conditions:
LRP2-related disorder. Also called: LRP2-related condition.
Inborn genetic diseases. Identifiers: MedGen C0950123, MeSH D030342.
Donnai-Barrow syndrome. Also called: DBS/FOAR SYNDROME; FACIOOCULOACOUSTICORENAL SYNDROME. Identifiers: Orphanet 2143, MedGen C1857277, MONDO:0009104, OMIM 222448.

Allele frequency attached by ClinVar (database versions not stated): gnomAD exomes 0.00008 and 0.00021; ExAC 0.00026; ESP Exome Variant Server 0.00054; gnomAD 0.00084 and 0.00089; TOPMed 0.00091; 1000 Genomes Project 0.00100; 1000 Genomes Project 30x 0.00125.
gnomAD v4.1: 253 of 1,614,076 alleles (0.016%); highest among the groups gnomAD compares: African/African-American, 0.3%; no homozygotes.

Submissions (7):

Labcorp Genetics (formerly Invitae), Labcorp
Classification: Likely benign. Last evaluated: 2026-02-02. Review status: criteria provided, single submitter. Criteria: Invitae Variant Classification Sherloc (09022015). Collection method: clinical testing. Allele origin: germline.

PreventionGenetics, part of Exact Sciences
Classification: Likely benign for LRP2-related condition. Last evaluated: 2025-03-31. Review status: criteria provided, single submitter. Criteria: ACMG Guidelines, 2015. Collection method: clinical testing. Allele origin: germline.
Comment: This variant is classified as likely benign based on ACMG/AMP sequence variant interpretation guidelines (Richards et al. 2015 PMID: 25741868, with internal and published modifications).

Blueprint Genetics
Classification: Likely benign. Last evaluated: 2024-09-04. Review status: criteria provided, single submitter. Criteria: ACMG Guidelines, 2015. Collection method: clinical testing. Allele origin: germline.

Genome-Nilou Lab
Classification: Uncertain significance for Donnai-Barrow syndrome. Last evaluated: 2021-07-15. Review status: criteria provided, single submitter. Criteria: ACMG Guidelines, 2015. Collection method: clinical testing. Allele origin: germline. Affected: no.

Ambry Genetics
Classification: Likely benign for Inborn genetic diseases. Last evaluated: 2021-06-21. Review status: criteria provided, single submitter. Criteria: Ambry Variant Classification Scheme 2023. Collection method: clinical testing. Allele origin: germline.

GeneDx
Classification: Uncertain significance. Last evaluated: 2021-06-09. Review status: criteria provided, single submitter. Criteria: GeneDx Variant Classification Process June 2021. Collection method: clinical testing. Allele origin: germline. Affected: yes.
Comment: In silico analysis, which includes protein predictors and evolutionary conservation, supports a deleterious effect; Has not been previously published as pathogenic or benign to our knowledge; This variant is associated with the following publications: (PMID: 27535533)

Illumina Laboratory Services, Illumina
Classification: Uncertain significance for Donnai-Barrow syndrome. Last evaluated: 2018-01-13. Review status: criteria provided, single submitter. Criteria: ICSL Variant Classification Criteria 13 December 2019. Collection method: clinical testing. Allele origin: germline.

NM_004525.3(LRP2):c.9311G>A (p.Ser3104Asn)

Gene: LRP2 (LDL receptor related protein 2; minus strand). Cytogenetic location: 2q31.1.
Variant type: single nucleotide variant.
Coding change: c.9311G>A on transcript NM_004525.3 (MANE Select); coding-DNA position 9311, G replaced by A.
Protein change: p.Ser3104Asn; replaces serine 3104 with asparagine.
Molecular consequence: missense variant.
Genome position (GRCh38, 1-based): chr2:169,187,987, C>T on the plus strand (G>A on the coding strand, the complement: LRP2 is on the minus strand). VCF-style: chr2-169187987-C-T. GRCh37 (hg19) VCF-style: chr2-170044497-C-T.
Other names: short protein forms S3104N.
Identifiers: ClinVar variation 732103 (VCV000732103.20), dbSNP rs139523655, ClinGen allele CA1953620.